The following is an entry in ClinVar:

NM_017636.4(TRPM4):c.1263+2T>G

Gene: TRPM4 (transient receptor potential cation channel subfamily M member 4; plus strand). Cytogenetic location: 19q13.33.
Variant type: single nucleotide variant.
Coding change: c.1263+2T>G on transcript NM_017636.4 (MANE Select); the canonical splice donor site of the intron after coding-DNA position 1263, T replaced by G.
Molecular consequence: splice donor variant. On other transcripts: intron variant (1).
Genome position (GRCh38, 1-based): chr19:49,181,463, T>G. VCF-style: chr19-49181463-T-G. GRCh37 (hg19) VCF-style: chr19-49684720-T-G.
Other names: c.1263+2T>G (NM_001195227.2); c.-291+2T>G (NM_001321282.2); c.918+2T>G (NM_001321281.2); c.741+2T>G (NM_001321283.2); c.202-1115T>G (NM_001321285.2).
Identifiers: ClinVar variation 1372874 (VCV001372874.7), dbSNP rs1005829535, ClinGen allele CA309441741.

ClinVar aggregate classification (germline): Uncertain significance. Review status: criteria provided, multiple submitters, no conflicts (2 of 4 stars). 2 submissions from 2 submitters: Uncertain significance (2). Last evaluated 2021-10-16.

Conditions:
Erythrokeratodermia variabilis et progressiva 6. Identifiers: MedGen C5193144, MONDO:0032801, OMIM 618531.
Progressive familial heart block type IB (PFHB1B). Identifiers: Orphanet 871, MedGen C1970298, MONDO:0011474, OMIM 604559.

Allele frequency attached by ClinVar (database versions not stated): gnomAD 0.00001; gnomAD exomes 0.00001.
gnomAD v4.1: 13 of 1,605,478 alleles (0.00081%); highest among the groups gnomAD compares: Non-Finnish European, 0.0011%; no homozygotes.

Submissions (2):

Fulgent Genetics
Classification: Uncertain significance for Progressive familial heart block type IB; Erythrokeratodermia variabilis et progressiva 6. Last evaluated: 2021-10-16. Review status: criteria provided, single submitter. Criteria: ACMG Guidelines, 2015. Collection method: clinical testing. Allele origin: unknown.

Labcorp Genetics (formerly Invitae), Labcorp
Classification: Uncertain significance for Progressive familial heart block type IB. Last evaluated: 2021-09-05. Review status: criteria provided, single submitter. Criteria: Invitae Variant Classification Sherloc (09022015). Collection method: clinical testing. Allele origin: germline.
Comment: This sequence change affects a donor splice site in intron 10 of the TRPM4 gene. It is expected to disrupt RNA splicing. Variants that disrupt the donor or acceptor splice site typically lead to a loss of protein function (PMID: 16199547), however the current clinical and genetic evidence is not sufficient to establish whether loss-of-function variants in TRPM4 cause disease. This variant is not present in population databases (ExAC no frequency). This variant has not been reported in the literature in individuals affected with TRPM4-related conditions. Algorithms developed to predict the effect of sequence changes on RNA splicing suggest that this variant may disrupt the consensus splice site. In summary, the available evidence is currently insufficient to determine the role of this variant in disease. Therefore, it has been classified as a Variant of Uncertain Significance.

Literature cited by the submitters: PubMed 16199547 (cited by Labcorp Genetics (formerly Invitae), Labcorp).